The following is an entry in ClinVar:

NM_031307.4(PUS3):c.1295G>A (p.Arg432His)

Genes: HYLS1 (HYLS1 centriolar and ciliogenesis associated; plus strand), PUS3 (pseudouridine synthase 3; minus strand). Cytogenetic location: 11q24.2.
Variant type: single nucleotide variant.
Coding change: c.1295G>A on transcript NM_031307.4 (MANE Select); coding-DNA position 1295, G replaced by A.
Protein change: p.Arg432His; replaces arginine 432 with histidine.
Molecular consequence: missense variant. On other transcripts: intron variant (5).
Genome position (GRCh38, 1-based): chr11:125,893,936, C>T on the plus strand (G>A on the coding strand, the complement: PUS3 is on the minus strand). VCF-style: chr11-125893936-C-T. GRCh37 (hg19) VCF-style: chr11-125763831-C-T.
Other names: c.1295G>A (NM_031307.3); c.671G>A, p.Arg224His (NM_001271985.2); c.-81+2464C>T (NM_145014.3); c.-26+2464C>T (NM_001134793.2); c.-23+2464C>T (NM_001424364.1); c.-25-5408C>T (NM_001377269.1); c.-22-5411C>T (NM_001377270.1); short protein forms R224H, R432H.
Identifiers: ClinVar variation 2175765 (VCV002175765.5), dbSNP rs144833612, ClinGen allele CA6350344.

ClinVar aggregate classification (germline): Uncertain significance. Review status: criteria provided, multiple submitters, no conflicts (2 of 4 stars). 2 submissions from 2 submitters: Uncertain significance (2). Last evaluated 2024-10-17.

Conditions:
Inborn genetic diseases. Identifiers: MedGen C0950123, MeSH D030342.

Allele frequency attached by ClinVar (database versions not stated): gnomAD exomes 0.00001; ExAC 0.00003; gnomAD 0.00003; TOPMed 0.00005; ESP Exome Variant Server 0.00015.
gnomAD v4.1: 25 of 1,614,036 alleles (0.0015%); highest among the groups gnomAD compares: African/African-American, 0.0093%; no homozygotes.

Submissions (2):

Ambry Genetics
Classification: Uncertain significance for Inborn genetic diseases. Last evaluated: 2024-10-17. Review status: criteria provided, single submitter. Criteria: Ambry Variant Classification Scheme 2023. Collection method: clinical testing. Allele origin: germline.

Labcorp Genetics (formerly Invitae), Labcorp
Classification: Uncertain significance. Last evaluated: 2022-12-02. Review status: criteria provided, single submitter. Criteria: Invitae Variant Classification Sherloc (09022015). Collection method: clinical testing. Allele origin: germline.
Comment: This sequence change replaces arginine, which is basic and polar, with histidine, which is basic and polar, at codon 432 of the PUS3 protein (p.Arg432His). In summary, the available evidence is currently insufficient to determine the role of this variant in disease. Therefore, it has been classified as a Variant of Uncertain Significance. Advanced modeling of protein sequence and biophysical properties (such as structural, functional, and spatial information, amino acid conservation, physicochemical variation, residue mobility, and thermodynamic stability) performed at Invitae indicates that this missense variant is not expected to disrupt PUS3 protein function. This variant has not been reported in the literature in individuals affected with PUS3-related conditions. This variant is present in population databases (rs144833612, gnomAD 0.02%).